The following is an entry in ClinVar:

ClinVar aggregate classification (germline): Uncertain significance (1 of 4 stars; one submission).

Allele frequency attached by ClinVar (database versions not stated): gnomAD exomes below 0.00001; TOPMed below 0.00001; gnomAD 0.00001; ExAC 0.00002.
gnomAD v4.1: 6 of 1,614,010 alleles (0.00037%); highest among the groups gnomAD compares: Admixed American, 0.0017%; no homozygotes.

Submission:

Labcorp Genetics (formerly Invitae), Labcorp
Classification: Uncertain significance. Last evaluated: 2022-06-22. Review status: criteria provided, single submitter. Criteria: Invitae Variant Classification Sherloc (09022015). Collection method: clinical testing. Allele origin: germline.
Comment: In summary, the available evidence is currently insufficient to determine the role of this variant in disease. Therefore, it has been classified as a Variant of Uncertain Significance. Algorithms developed to predict the effect of missense changes on protein structure and function output the following: SIFT: "Tolerated"; PolyPhen-2: "Benign"; Align-GVGD: "Class C0". The alanine amino acid residue is found in multiple mammalian species, which suggests that this missense change does not adversely affect protein function. This variant has not been reported in the literature in individuals affected with EFL1-related conditions. This variant is present in population databases (rs778470956, gnomAD 0.003%). This sequence change replaces threonine, which is neutral and polar, with alanine, which is neutral and non-polar, at codon 849 of the EFL1 protein (p.Thr849Ala).

NM_024580.6(EFL1):c.2545A>G (p.Thr849Ala)

Gene: EFL1 (elongation factor like GTPase 1; minus strand). Cytogenetic location: 15q25.2.
Variant type: single nucleotide variant.
Coding change: c.2545A>G on transcript NM_024580.6 (MANE Select); coding-DNA position 2545, A replaced by G.
Protein change: p.Thr849Ala; replaces threonine 849 with alanine.
Molecular consequence: missense variant. On other transcripts: non-coding transcript variant (1).
Genome position (GRCh38, 1-based): chr15:82,151,909, T>C on the plus strand (A>G on the coding strand, the complement: EFL1 is on the minus strand). VCF-style: chr15-82151909-T-C. GRCh37 (hg19) VCF-style: chr15-82444250-T-C.
Other names: c.2392A>G, p.Thr798Ala (NM_001040610.3); c.1756A>G, p.Thr586Ala (NM_001322844.2); c.2545A>G, p.Thr849Ala (NM_001322845.2); short protein forms T586A, T798A, T849A.
Identifiers: ClinVar variation 1919047 (VCV001919047.5), dbSNP rs778470956, ClinGen allele CA7697733.
Genomic context (GRCh38, chr15:82,151,909, plus strand): 5'-TGCTATTGCCCAAATCTCGGTATCTACTGGCTTCTTTTGAAGCTTTGTCAGCTGGACCTG[T>C]CCATACTGAGTTCTGAAAATCTTCACTTTTATTGACTAGTATGTTGGGCCCACATTTTCT-3'
Protein context (NP_078856.4, residues 839-859): KSEDFQNSVW[Thr849Ala]GPADKASKEA